The following is an entry in ClinVar:

ClinVar aggregate classification (germline): Uncertain significance (1 of 4 stars; one submission).

gnomAD v4.1: 1 of 1,612,846 alleles (0.000062%); highest among the groups gnomAD compares: Non-Finnish European, 0.000085%; no homozygotes.

Submission:

Labcorp Genetics (formerly Invitae), Labcorp
Classification: Uncertain significance. Last evaluated: 2025-03-17. Review status: criteria provided, single submitter. Criteria: Invitae Variant Classification Sherloc (09022015). Collection method: clinical testing. Allele origin: germline.
Comment: This sequence change affects a donor splice site in intron 5 of the XPO5 gene. It is expected to disrupt RNA splicing. Variants that disrupt the donor or acceptor splice site typically lead to a loss of protein function (PMID: 16199547), however the current clinical and genetic evidence is not sufficient to establish whether loss-of-function variants in XPO5 cause disease. This variant is not present in population databases (gnomAD no frequency). This variant has not been reported in the literature in individuals affected with XPO5-related conditions. Algorithms developed to predict the effect of sequence changes on RNA splicing suggest that this variant may disrupt the consensus splice site. In summary, the available evidence is currently insufficient to determine the role of this variant in disease. Therefore, it has been classified as a Variant of Uncertain Significance.

Literature cited by the submitters: PubMed 16199547.

NM_020750.3(XPO5):c.621+2T>G

Gene: XPO5 (exportin 5; minus strand). Cytogenetic location: 6p21.1.
Variant type: single nucleotide variant.
Coding change: c.621+2T>G on transcript NM_020750.3 (MANE Select); the canonical splice donor site of the intron after coding-DNA position 621, T replaced by G.
Molecular consequence: splice donor variant.
Genome position (GRCh38, 1-based): chr6:43,570,500, A>C on the plus strand (T>G on the coding strand, the complement: XPO5 is on the minus strand). VCF-style: chr6-43570500-A-C. GRCh37 (hg19) VCF-style: chr6-43538237-A-C.
Identifiers: ClinVar variation 4804906 (VCV004804906.1).
Genomic context (GRCh38, chr6:43,570,500, plus strand): 5'-AAGATTAATCAAAAACACTCATATTGGAAAATAGAAATGTTATAGGTAGGGGTATCCCTT[A>C]CCACTTGCTGATACTTGTTTACATTTTCTTGAAGTGTGTTAAGCAGAAAACTGAAGATCC-3'